The following is an entry in ClinVar:

NM_006306.4(SMC1A):c.1130G>A (p.Arg377Gln)

Gene: SMC1A (structural maintenance of chromosomes 1A; minus strand). Cytogenetic location: Xp11.22.
Variant type: single nucleotide variant.
Coding change: c.1130G>A on transcript NM_006306.4 (MANE Select); coding-DNA position 1130, G replaced by A.
Protein change: p.Arg377Gln; replaces arginine 377 with glutamine.
Molecular consequence: missense variant.
Genome position (GRCh38, 1-based): chrX:53,411,885, C>T on the plus strand (G>A on the coding strand, the complement: SMC1A is on the minus strand). VCF-style: chrX-53411885-C-T. GRCh37 (hg19) VCF-style: chrX-53438835-C-T.
Other names: c.1064G>A, p.Arg355Gln (NM_001281463.1); short protein forms R377Q, R355Q.
Identifiers: ClinVar variation 2162408 (VCV002162408.5), dbSNP rs782541938, ClinGen allele CA10420596.
Genomic context (GRCh38, chrX:53,411,885, plus strand): 5'-TTGAATTTCTCCAGCTCCTGGGCCAGGGTAGCTGCTCTCTTGCTGGCTTCTTCTTTCAAC[C>T]GGTGGTATTTCTTCACCTGTGTTAGGGACAGGGAAGGAGAACAGGGATGACCAAGTCAGC-3'
Protein context (NP_006297.2, residues 367-387): LEENQVKKYH[Arg377Gln]LKEEASKRAA

ClinVar aggregate classification (germline): Uncertain significance. Review status: criteria provided, multiple submitters, no conflicts (2 of 4 stars). 2 submissions from 2 submitters: Uncertain significance (2). Last evaluated 2024-11-21.

Conditions:
Congenital muscular hypertrophy-cerebral syndrome (CDLS2). Also called: SMC1A-Related Cornelia de Lange Syndrome; Cornelia de Lange syndrome 2. Identifiers: Orphanet 199, MedGen C1802395, MONDO:0010370, OMIM 300590.
Developmental and epileptic encephalopathy, 85, with or without midline brain defects. Also called: EPILEPTIC ENCEPHALOPATHY, EARLY INFANTILE, 85, WITH OR WITHOUT MIDLINE BRAIN DEFECTS. Identifiers: MedGen C5393312, MONDO:0026771, OMIM 301044.

Allele frequency attached by ClinVar (database versions not stated): ExAC 0.00001; gnomAD 0.00001; TOPMed 0.00001.

Submissions (2):

Labcorp Genetics (formerly Invitae), Labcorp
Classification: Uncertain significance for Congenital muscular hypertrophy-cerebral syndrome. Last evaluated: 2024-11-21. Review status: criteria provided, single submitter. Criteria: Invitae Variant Classification Sherloc (09022015). Collection method: clinical testing. Allele origin: germline.
Comment: This sequence change replaces arginine, which is basic and polar, with glutamine, which is neutral and polar, at codon 377 of the SMC1A protein (p.Arg377Gln). This variant is present in population databases (rs782541938, gnomAD 0.001%). This variant has not been reported in the literature in individuals affected with SMC1A-related conditions. ClinVar contains an entry for this variant (Variation ID: 2162408). Invitae Evidence Modeling of protein sequence and biophysical properties (such as structural, functional, and spatial information, amino acid conservation, physicochemical variation, residue mobility, and thermodynamic stability) indicates that this missense variant is not expected to disrupt SMC1A protein function with a negative predictive value of 80%. In summary, the available evidence is currently insufficient to determine the role of this variant in disease. Therefore, it has been classified as a Variant of Uncertain Significance.

Fulgent Genetics
Classification: Uncertain significance for Congenital muscular hypertrophy-cerebral syndrome; Developmental and epileptic encephalopathy, 85, with or without midline brain defects. Last evaluated: 2024-01-13. Review status: criteria provided, single submitter. Criteria: ACMG Guidelines, 2015. Collection method: clinical testing. Allele origin: germline.